The following is an entry in ClinVar:

ClinVar aggregate classification (germline): Uncertain significance (1 of 4 stars; one submission).

Submission:

Ambry Genetics
Classification: Uncertain significance. Last evaluated: 2024-11-20. Review status: criteria provided, single submitter. Criteria: Ambry Variant Classification Scheme 2023. Collection method: clinical testing. Allele origin: germline.
Comment: The p.V242M variant (also known as c.724G>A), located in coding exon 1 of the TET2 gene, results from a G to A substitution at nucleotide position 724. The valine at codon 242 is replaced by methionine, an amino acid with highly similar properties. This amino acid position is conserved. In addition, this alteration is predicted to be tolerated by in silico analysis. Based on the available evidence, the clinical significance of this variant remains unclear.

NM_001127208.3(TET2):c.724G>A (p.Val242Met)

Genes: TET2 (tet methylcytosine dioxygenase 2; plus strand), TET2-AS1 (TET2 antisense RNA 1; minus strand). Cytogenetic location: 4q24.
Variant type: single nucleotide variant.
Coding change: c.724G>A on transcript NM_001127208.3 (MANE Select); coding-DNA position 724, G replaced by A.
Protein change: p.Val242Met; replaces valine 242 with methionine.
Molecular consequence: missense variant.
Genome position (GRCh38, 1-based): chr4:105,234,666, G>A. VCF-style: chr4-105234666-G-A. GRCh37 (hg19) VCF-style: chr4-106155823-G-A.
Other names: c.724G>A, p.Val242Met (NM_017628.4); short protein forms V242M.
Identifiers: ClinVar variation 3455303 (VCV003455303.1).